The following is an entry in ClinVar:

NM_080669.6(SLC46A1):c.742C>T (p.His248Tyr)

Gene: SLC46A1 (solute carrier family 46 member 1; minus strand). Cytogenetic location: 17q11.2.
Variant type: single nucleotide variant.
Coding change: c.742C>T on transcript NM_080669.6 (MANE Select); coding-DNA position 742, C replaced by T.
Protein change: p.His248Tyr; replaces histidine 248 with tyrosine.
Molecular consequence: missense variant.
Genome position (GRCh38, 1-based): chr17:28,404,955, G>A on the plus strand (C>T on the coding strand, the complement: SLC46A1 is on the minus strand). VCF-style: chr17-28404955-G-A. GRCh37 (hg19) VCF-style: chr17-26731973-G-A.
Other names: c.742C>T, p.His248Tyr (NM_001242366.3); short protein forms H248Y.
Identifiers: ClinVar variation 1348489 (VCV001348489.6), dbSNP rs1401827482, ClinGen allele CA398348804.

ClinVar aggregate classification (germline): Uncertain significance (1 of 4 stars; one submission).

Allele frequency attached by ClinVar (database versions not stated): TOPMed below 0.00001.

Submission:

Labcorp Genetics (formerly Invitae), Labcorp
Classification: Uncertain significance. Last evaluated: 2021-04-24. Review status: criteria provided, single submitter. Criteria: Invitae Variant Classification Sherloc (09022015). Collection method: clinical testing. Allele origin: germline.
Comment: This variant has not been reported in the literature in individuals with SLC46A1-related conditions. Experimental studies and prediction algorithms are not available or were not evaluated, and the functional significance of this variant is currently unknown. In summary, the available evidence is currently insufficient to determine the role of this variant in disease. Therefore, it has been classified as a Variant of Uncertain Significance. This sequence change replaces histidine with tyrosine at codon 248 of the SLC46A1 protein (p.His248Tyr). The histidine residue is weakly conserved and there is a moderate physicochemical difference between histidine and tyrosine. This variant is not present in population databases (ExAC no frequency).